The following is an entry in ClinVar:

NM_000360.4(TH):c.1156A>G (p.Lys386Glu)

Gene: TH (tyrosine hydroxylase; minus strand). Cytogenetic location: 11p15.5.
Variant type: single nucleotide variant.
Coding change: c.1156A>G on transcript NM_000360.4 (MANE Select); coding-DNA position 1156, A replaced by G.
Protein change: p.Lys386Glu; replaces lysine 386 with glutamic acid.
Molecular consequence: missense variant.
Genome position (GRCh38, 1-based): chr11:2,165,712, T>C on the plus strand (A>G on the coding strand, the complement: TH is on the minus strand). VCF-style: chr11-2165712-T-C. GRCh37 (hg19) VCF-style: chr11-2186942-T-C.
Other names: c.1249A>G, p.Lys417Glu (NM_199292.3); c.1237A>G, p.Lys413Glu (NM_199293.3); short protein forms K386E, K413E, K417E.
Identifiers: ClinVar variation 1417129 (VCV001417129.5), dbSNP rs1846071121, ClinGen allele CA379125666.

ClinVar aggregate classification (germline): Uncertain significance (1 of 4 stars; one submission).

Conditions:
TH-deficient dopa-responsive dystonia. Also called: Tyrosine Hydroxylase-Deficient Dopa-Responsive Dystonia; Segawa syndrome, autosomal recessive; DYT-TH. Identifiers: Orphanet 101150, MedGen C2673535, MONDO:0011551, OMIM 605407.

Allele frequency attached by ClinVar (database versions not stated): gnomAD 0.00001; TOPMed 0.00002.
gnomAD v4.1: 1 of 1,612,488 alleles (0.000062%); highest among the groups gnomAD compares: African/African-American, 0.0013%; no homozygotes.

Submission:

Labcorp Genetics (formerly Invitae), Labcorp
Classification: Uncertain significance for TH-deficient dopa-responsive dystonia. Last evaluated: 2022-07-05. Review status: criteria provided, single submitter. Criteria: Invitae Variant Classification Sherloc (09022015). Collection method: clinical testing. Allele origin: germline.
Comment: This sequence change replaces lysine, which is basic and polar, with glutamic acid, which is acidic and polar, at codon 417 of the TH protein (p.Lys417Glu). This variant is not present in population databases (gnomAD no frequency). This variant has not been reported in the literature in individuals affected with TH-related conditions. ClinVar contains an entry for this variant (Variation ID: 1417129). Advanced modeling of protein sequence and biophysical properties (such as structural, functional, and spatial information, amino acid conservation, physicochemical variation, residue mobility, and thermodynamic stability) performed at Invitae indicates that this missense variant is expected to disrupt TH protein function. In summary, the available evidence is currently insufficient to determine the role of this variant in disease. Therefore, it has been classified as a Variant of Uncertain Significance.